The following is an entry in ClinVar:

NM_024675.4(PALB2):c.2834+2T>G

Gene: PALB2 (partner and localizer of BRCA2; minus strand). Cytogenetic location: 16p12.2.
Variant type: single nucleotide variant.
Coding change: c.2834+2T>G on transcript NM_024675.4 (MANE Select); the canonical splice donor site of the intron after coding-DNA position 2834, T replaced by G.
Molecular consequence: splice donor variant.
Genome position (GRCh38, 1-based): chr16:23,624,007, A>C on the plus strand (T>G on the coding strand, the complement: PALB2 is on the minus strand). VCF-style: chr16-23624007-A-C. GRCh37 (hg19) VCF-style: chr16-23635328-A-C.
Other names: c.1949+2T>G (NM_001407308.1, NM_001407306.1, NM_001407309.1 and 4 more transcripts); c.368+2T>G (NM_001407314.1); c.1046+2T>G (NM_001407313.1, NM_001407312.1); c.2774+2T>G (NM_001407296.1); c.2762+2T>G (NM_001407297.1); c.2672+2T>G (NM_001407302.1, NM_001407298.1); c.2834+2T>G (NM_001407300.1, NM_001407299.1, NM_001407301.1); c.1787+2T>G (NM_001407307.1).
Identifiers: ClinVar variation 220338 (VCV000220338.10), dbSNP rs864622481, ClinGen allele CA349966.

ClinVar aggregate classification (germline): Pathogenic (1 of 4 stars; one submission).

Conditions:
Familial cancer of breast. Also called: hereditary breast carcinoma; Hereditary breast cancer; BREAST CANCER, FAMILIAL. Identifiers: Orphanet 227535, MedGen C0346153, MONDO:0016419, OMIM 114480. Disease mechanism: loss of function.

Submission:

Labcorp Genetics (formerly Invitae), Labcorp
Classification: Pathogenic for Familial cancer of breast. Last evaluated: 2020-06-02. Review status: criteria provided, single submitter. Criteria: Invitae Variant Classification Sherloc (09022015). Collection method: clinical testing. Allele origin: germline.
Comment: For these reasons, this variant has been classified as Pathogenic. Donor and acceptor splice site variants typically lead to a loss of protein function (PMID: 16199547), and loss-of-function variants in PALB2 are known to be pathogenic (PMID: 17200668, 24136930, 25099575). Algorithms developed to predict the effect of sequence changes on RNA splicing suggest that this variant may disrupt the consensus splice site, but this prediction has not been confirmed by published transcriptional studies. This sequence change affects a donor splice site in intron 8 of the PALB2 gene. It is expected to disrupt RNA splicing and likely results in an absent or disrupted protein product. This variant is not present in population databases (ExAC no frequency). Disruption of this splice site has been observed in individuals affected with breast and/or ovarian cancer (PMID:25099575, 26681312, Invitae). It has also been observed to segregate with disease in related individuals. ClinVar contains an entry for this variant (Variation ID: 220338).

Literature cited by the submitters: PubMed 16199547; PubMed 17200668; PubMed 24136930; PubMed 25099575; PubMed 26681312.